The following is an entry in ClinVar:

ClinVar aggregate classification (germline): Uncertain significance (1 of 4 stars; one submission).

Submission:

GeneDx
Classification: Uncertain significance. Last evaluated: 2026-02-26. Review status: criteria provided, single submitter. Criteria: GeneDx Variant Classification Process June 2021. Collection method: clinical testing. Allele origin: germline.
Comment: Not observed at significant frequency in large population cohorts (gnomAD); Frameshift variant predicted to result in protein truncation or nonsense mediated decay in a gene or region of a gene for which loss of function is not a well-established mechanism of disease; Has not been previously published as pathogenic or benign to our knowledge

NM_001454.4(FOXJ1):c.51del (p.Pro19fs)

Genes: FOXJ1 (forkhead box J1; minus strand), LOC130061708 (ATAC-STARR-seq lymphoblastoid silent region 9004; plus strand). Cytogenetic location: 17q25.1.
Variant type: Deletion.
Coding change: c.51del on transcript NM_001454.4 (MANE Select); coding-DNA position 51, one base deleted (C; older notation c.51delC).
Protein change: p.Pro19fs; shifts the reading frame from proline 19.
Molecular consequence: frameshift variant.
Genome position (GRCh38, 1-based): chr17:76,140,345, G deleted on the plus strand (C on the coding strand, the reverse complement: FOXJ1 is on the minus strand); the first of 2 consecutive G bases (chr17:76,140,345-76,140,346); deleting either gives the same sequence. VCF-style (leftmost placement, unchanged base first): chr17-76140344-CG-C. GRCh37 (hg19) VCF-style: chr17-74136425-CG-C.
Other names: short protein forms P19fs.
Identifiers: ClinVar variation 5009966 (VCV005009966.1).